The following is an entry in ClinVar:

ClinVar aggregate classification (germline): Likely pathogenic. Review status: criteria provided, multiple submitters, no conflicts (2 of 4 stars). 4 submissions from 4 submitters: Likely pathogenic (3). 1 of the submissions does not count toward it. Last evaluated 2024-03-26.

Conditions:
SLC45A2-related disorder. Also called: SLC45A2-related condition.
Oculocutaneous albinism type 4 (OCA4). Also called: Albinism, oculocutaneous, type IV. Identifiers: Orphanet 79435, MedGen C1847836, MONDO:0011683, OMIM 606574.

Submissions (4):

Labcorp Genetics (formerly Invitae), Labcorp
Classification: Likely pathogenic. Last evaluated: 2024-03-26. Review status: criteria provided, single submitter. Criteria: Invitae Variant Classification Sherloc (09022015). Collection method: clinical testing. Allele origin: germline.
Comment: This variant, c.662_664del, results in the deletion of 1 amino acid(s) of the SLC45A2 protein (p.Phe221del), but otherwise preserves the integrity of the reading frame. This variant is not present in population databases (gnomAD no frequency). This variant has been observed in individual(s) with clinical features of oculocutaneous albisnism (PMID: 14722913, 29345414, 34838614; Invitae). In at least one individual the data is consistent with being in trans (on the opposite chromosome) from a pathogenic variant. In summary, the currently available evidence indicates that the variant is pathogenic, but additional data are needed to prove that conclusively. Therefore, this variant has been classified as Likely Pathogenic.

GeneDx
Classification: Likely pathogenic. Last evaluated: 2023-04-25. Review status: criteria provided, single submitter. Criteria: GeneDx Variant Classification Process June 2021. Collection method: clinical testing. Allele origin: germline. Affected: yes.
Comment: Observed with a second SLC45A2 variant in patients with oculocutaneous albinism in published literature, although additional clinical information and segregation data were not provided (Rundshagen et al., 2004; Lasseaux et al., 2018); In-frame deletion of 1 amino acid in a non-repeat region; Not observed at significant frequency in large population cohorts (gnomAD); In silico analysis supports a deleterious effect on protein structure/function; This variant is associated with the following publications: (PMID: 31589614, 30398625, 14722913, 29345414, 34838614)

Blueprint Genetics
Classification: Likely pathogenic for SLC45A2-related disorders. Last evaluated: 2022-09-02. Review status: criteria provided, single submitter. Criteria: ACMG Guidelines, 2015. Collection method: clinical testing. Allele origin: germline. Affected: yes. Observed: 1 variant allele.

OMIM
Classification: Pathogenic for OCULOCUTANEOUS ALBINISM, TYPE IV. Last evaluated: 2004-02-01. Review status: no assertion criteria provided. Collection method: literature only. Allele origin: germline. Not counted in ClinVar's aggregate classification.

Literature cited by the submitters: PubMed 14722913 (cited by Labcorp Genetics (formerly Invitae), Labcorp and OMIM); PubMed 29345414 (cited by Labcorp Genetics (formerly Invitae), Labcorp); PubMed 34838614 (cited by Labcorp Genetics (formerly Invitae), Labcorp).

NM_016180.5(SLC45A2):c.656TCT[2] (p.Phe221del)

Gene: SLC45A2 (solute carrier family 45 member 2; minus strand). Cytogenetic location: 5p13.2.
Variant type: Microsatellite.
Coding change: c.656TCT[2] on transcript NM_016180.5 (MANE Select); two copies in a row of the 3-base unit TCT starting at c.656; the reference has three copies in a row; one copy, 3 bases deleted; also written c.662_664del.
Protein change: p.Phe221del; deletes phenylalanine 221.
Molecular consequence: inframe deletion. On other transcripts: intron variant (1).
Genome position (GRCh38, 1-based): chr5:33,963,915-33,963,917, AGA deleted on the plus strand (TCT on the coding strand, the reverse complement: SLC45A2 is on the minus strand); deleting any 3 consecutive bases within chr5:33,963,915-33,963,924 gives the same sequence; the position shown is the placement nearest the transcript's 3' end. VCF-style (leftmost placement, unchanged base first): chr5-33963914-GAGA-G. GRCh37 (hg19) VCF-style: chr5-33964019-GAGA-G.
Other names: c.662_664del (NM_016180.3); c.656TCT[2], p.Phe221del (NM_001012509.4); c.563-9419TCT[2] (NM_001297417.4); short protein forms F221del.
Identifiers: ClinVar variation 4501 (VCV000004501.7), dbSNP rs387906318, ClinGen allele CA253177.